The following is an entry in ClinVar:

NM_014476.6(PDLIM3):c.964G>T (p.Asp322Tyr)

Gene: PDLIM3 (PDZ and LIM domain 3; minus strand). Cytogenetic location: 4q35.1.
Variant type: single nucleotide variant.
Coding change: c.964G>T on transcript NM_014476.6 (MANE Select); coding-DNA position 964, G replaced by T.
Protein change: p.Asp322Tyr; replaces aspartic acid 322 with tyrosine.
Molecular consequence: missense variant. On other transcripts: non-coding transcript variant (1).
Genome position (GRCh38, 1-based): chr4:185,502,425, C>A on the plus strand (G>T on the coding strand, the complement: PDLIM3 is on the minus strand). VCF-style: chr4-185502425-C-A. GRCh37 (hg19) VCF-style: chr4-186423579-C-A.
Other names: c.820G>T, p.Asp274Tyr (NM_001114107.5); c.700G>T, p.Asp234Tyr (NM_001257962.2); c.463G>T, p.Asp155Tyr (NM_001257963.2); short protein forms D322Y, D234Y, D155Y, D274Y.
Identifiers: ClinVar variation 1484343 (VCV001484343.8), dbSNP rs774470984, ClinGen allele CA3159621.

ClinVar aggregate classification (germline): Uncertain significance (1 of 4 stars; one submission).

Conditions:
Hypertrophic cardiomyopathy. Also called: HYPERTROPHIC MYOCARDIOPATHY. Identifiers: Orphanet 217569, MedGen C0007194, MeSH D002312, MONDO:0005045, HP:0001639.
Primary dilated cardiomyopathy (DCM). Also called: Dilated Cardiomyopathy. Identifiers: Orphanet 217604, MedGen C0007193, MeSH D002311, MONDO:0005021, HP:0001644. Inheritance: Various modes of inheritance.

Submission:

Labcorp Genetics (formerly Invitae), Labcorp
Classification: Uncertain significance for Hypertrophic cardiomyopathy; Primary dilated cardiomyopathy. Last evaluated: 2020-11-14. Review status: criteria provided, single submitter. Criteria: Invitae Variant Classification Sherloc (09022015). Collection method: clinical testing. Allele origin: germline.
Comment: This sequence change replaces aspartic acid with tyrosine at codon 322 of the PDLIM3 protein (p.Asp322Tyr). The aspartic acid residue is highly conserved and there is a large physicochemical difference between aspartic acid and tyrosine. In summary, the available evidence is currently insufficient to determine the role of this variant in disease. Therefore, it has been classified as a Variant of Uncertain Significance. Algorithms developed to predict the effect of missense changes on protein structure and function (SIFT, PolyPhen-2, Align-GVGD) all suggest that this variant is likely to be disruptive, but these predictions have not been confirmed by published functional studies and their clinical significance is uncertain. This variant has not been reported in the literature in individuals with PDLIM3-related conditions. This variant is present in population databases (rs774470984, ExAC 0.006%).